The following is an entry in ClinVar:

NM_005359.6(SMAD4):c.1041T>C (p.Ile347=)

Gene: SMAD4 (SMAD family member 4; plus strand). Cytogenetic location: 18q21.2.
Variant type: single nucleotide variant.
Coding change: c.1041T>C on transcript NM_005359.6 (MANE Select); coding-DNA position 1041, T replaced by C.
Protein change: p.Ile347=; no amino-acid change (isoleucine 347 retained).
Molecular consequence: synonymous variant. On other transcripts: non-coding transcript variant (2).
Genome position (GRCh38, 1-based): chr18:51,065,508, T>C. VCF-style: chr18-51065508-T-C. GRCh37 (hg19) VCF-style: chr18-48591878-T-C.
Other names: c.1041T>C, p.Ile347= (NM_001407041.1, NM_001407042.1, NM_001407043.1).
Identifiers: ClinVar variation 2719467 (VCV002719467.4), dbSNP rs905881679, ClinGen allele CA300090720.

ClinVar aggregate classification (germline): Benign/Likely benign. Review status: criteria provided, multiple submitters, no conflicts (2 of 4 stars). 2 submissions from 2 submitters: Benign (1); Likely benign (1). Last evaluated 2025-03-20.

Conditions:
Juvenile polyposis/hereditary hemorrhagic telangiectasia syndrome (JPHT). Also called: JP/HHT SYNDROME; JUVENILE POLYPOSIS WITH HEREDITARY HEMORRHAGIC TELANGIECTASIA; POLYPOSIS, GENERALIZED JUVENILE, WITH PULMONARY ARTERIOVENOUS MALFORMATION; TELANGIECTASIA, HEREDITARY HEMORRHAGIC, WITH JUVENILE POLYPOSIS COLI; Juvenile Polyposis Syndrome / Hereditary Hemorrhagic Telangiectasia (JPS/HHT). Identifiers: Orphanet 2929, MedGen C1832942, MONDO:0008278, OMIM 175050.
Juvenile polyposis syndrome (JPS). Identifiers: Orphanet 2929, MedGen C0345893, MONDO:0017380, OMIM 174900.

Allele frequency attached by ClinVar (database versions not stated): TOPMed below 0.00001; gnomAD 0.00001.
gnomAD v4.1: 1 of 1,613,974 alleles (0.000062%); highest among the groups gnomAD compares: African/African-American, 0.0013%; no homozygotes.

Submissions (2):

Myriad Genetics, Inc.
Classification: Benign for Juvenile polyposis/hereditary hemorrhagic telangiectasia syndrome. Last evaluated: 2025-03-20. Review status: criteria provided, single submitter. Criteria: Myriad Autosomal Dominant, Autosomal Recessive and X-Linked Classification Criteria (2023). Collection method: clinical testing. Allele origin: unknown.
Comment: This variant is considered benign. This variant is a silent/synonymous amino acid change and it is not expected to impact splicing.

Labcorp Genetics (formerly Invitae), Labcorp
Classification: Likely benign for Juvenile polyposis syndrome. Last evaluated: 2025-01-06. Review status: criteria provided, single submitter. Criteria: Invitae Variant Classification Sherloc (09022015). Collection method: clinical testing. Allele origin: germline.